The following is an entry in ClinVar:

ClinVar aggregate classification (germline): Uncertain significance. Review status: criteria provided, multiple submitters, no conflicts (2 of 4 stars). 2 submissions from 2 submitters: Uncertain significance (2). Last evaluated 2021-09-15.

Conditions:
Autism, susceptibility to, 15. Also called: Autism susceptibility 15. Identifiers: MedGen C2677504, MONDO:0012801, OMIM 612100.
Cortical dysplasia-focal epilepsy syndrome (PTHSL1). Also called: Pitt-Hopkins-like syndrome 1. Identifiers: Orphanet 163681, Orphanet 221150, MedGen C2750246, MONDO:0012400, OMIM 610042.

gnomAD v4.1: 16 of 1,614,194 alleles (0.00099%); highest among the groups gnomAD compares: Non-Finnish European, 0.0014%; no homozygotes.

Submissions (2):

Fulgent Genetics
Classification: Uncertain significance for Cortical dysplasia-focal epilepsy syndrome; Autism, susceptibility to, 15. Last evaluated: 2021-09-15. Review status: criteria provided, single submitter. Criteria: ACMG Guidelines, 2015. Collection method: clinical testing. Allele origin: unknown.

Labcorp Genetics (formerly Invitae), Labcorp
Classification: Uncertain significance for Cortical dysplasia-focal epilepsy syndrome. Last evaluated: 2020-02-25. Review status: criteria provided, single submitter. Criteria: Invitae Variant Classification Sherloc (09022015). Collection method: clinical testing. Allele origin: germline.
Comment: In summary, the available evidence is currently insufficient to determine the role of this variant in disease. Therefore, it has been classified as a Variant of Uncertain Significance. Algorithms developed to predict the effect of sequence changes on RNA splicing suggest that this variant may create or strengthen a splice site, but this prediction has not been confirmed by published transcriptional studies. Algorithms developed to predict the effect of missense changes on protein structure and function are either unavailable or do not agree on the potential impact of this missense change (SIFT: "Deleterious"; PolyPhen-2: "Probably Damaging"; Align-GVGD: "Class C0"). This variant has not been reported in the literature in individuals with CNTNAP2-related conditions. This variant is not present in population databases (ExAC no frequency). This sequence change replaces leucine with glutamine at codon 292 of the CNTNAP2 protein (p.Leu292Gln). The leucine residue is moderately conserved and there is a moderate physicochemical difference between leucine and glutamine.

NM_014141.6(CNTNAP2):c.875T>A (p.Leu292Gln)

Gene: CNTNAP2 (contactin associated protein 2; plus strand). Cytogenetic location: 7q35.
Variant type: single nucleotide variant.
Coding change: c.875T>A on transcript NM_014141.6 (MANE Select); coding-DNA position 875, T replaced by A.
Protein change: p.Leu292Gln; replaces leucine 292 with glutamine.
Molecular consequence: missense variant.
Genome position (GRCh38, 1-based): chr7:147,121,099, T>A. VCF-style: chr7-147121099-T-A. GRCh37 (hg19) VCF-style: chr7-146818191-T-A.
Other names: short protein forms L292Q.
Identifiers: ClinVar variation 1011589 (VCV001011589.12), dbSNP rs1801102530, ClinGen allele CA369923960.